The following is an entry in ClinVar:

NM_025114.4(CEP290):c.1257_1258del (p.Lys419fs)

Gene: CEP290 (centrosomal protein 290; minus strand). Cytogenetic location: 12q21.32.
Variant type: Deletion.
Coding change: c.1257_1258del on transcript NM_025114.4 (MANE Select); coding-DNA positions 1257 to 1258, 2 bases deleted (AA; older notation c.1257_1258delAA).
Protein change: p.Lys419fs; shifts the reading frame from lysine 419.
Molecular consequence: frameshift variant.
Genome position (GRCh38, 1-based): chr12:88,121,098-88,121,099, TT deleted on the plus strand (AA on the coding strand, the reverse complement: CEP290 is on the minus strand); deleting any 2 consecutive bases within chr12:88,121,098-88,121,101 gives the same sequence; the c. name uses the placement nearest the transcript's 3' end. VCF-style (leftmost placement, unchanged base first): chr12-88121097-GTT-G. GRCh37 (hg19) VCF-style: chr12-88514874-GTT-G.
Other names: short protein forms K419fs.
Identifiers: ClinVar variation 4064339 (VCV004064339.2).

ClinVar aggregate classification (germline): Likely pathogenic (1 of 4 stars; one submission).

Conditions:
Leber congenital amaurosis (LCA). Also called: Leber's amaurosis. Identifiers: Orphanet 65, MedGen C0339527, MeSH D057130, MONDO:0018998.

Submission:

Natera, Inc.
Classification: Likely pathogenic for Leber congenital amaurosis. Last evaluated: 2025-01-29. Review status: criteria provided, single submitter. Criteria: Natera Variant Classification Schema (03/2026). Collection method: clinical testing. Allele origin: germline.
Comment: The c.1257_1258del variant in CEP290 is a frameshift variant predicted to shift the reading frame beginning at codon 419 and leads to a stop codon 2 codons downstream. This variant is expected to result in nonsense mediated decay, truncation, or a dysfunctional protein product. This variant is rare in the general population with a frequency below the threshold expected for the associated phenotype(s). Given the available evidence, this variant is classified as Likely Pathogenic.